The following is an entry in ClinVar:

ClinVar aggregate classification (germline): Conflicting classifications of pathogenicity. Review status: criteria provided, conflicting classifications (1 of 4 stars). 3 submissions from 3 submitters: Uncertain significance (2); Likely benign (1). Last evaluated 2025-04-08.

Conditions:
Hereditary cancer-predisposing syndrome. Also called: Neoplastic Syndromes, Hereditary; Tumor predisposition; Hereditary neoplastic syndrome; Hereditary Cancer Syndrome. Identifiers: Orphanet 140162, MedGen C0027672, MeSH D009386, MONDO:0015356.
Hereditary breast ovarian cancer syndrome. Also called: Hereditary breast and ovarian cancer; Hereditary breast and ovarian cancer syndrome; Hereditary breast and ovarian cancer syndrome (HBOC); Hereditary breast and/or ovarian cancer syndrome; Breast and ovarian cancer; BRCA1- and BRCA2-Associated Hereditary Breast and Ovarian Cancer. Identifiers: Orphanet 145, MedGen C0677776, MeSH D061325, MONDO:0003582. Disease mechanism: loss of function.

Submissions (3):

Labcorp Genetics (formerly Invitae), Labcorp
Classification: Uncertain significance for Hereditary breast ovarian cancer syndrome. Last evaluated: 2025-04-08. Review status: criteria provided, single submitter. Criteria: Invitae Variant Classification Sherloc (09022015). Collection method: clinical testing. Allele origin: germline.
Comment: This sequence change replaces valine, which is neutral and non-polar, with isoleucine, which is neutral and non-polar, at codon 370 of the BRCA1 protein (p.Val370Ile). This variant is not present in population databases (gnomAD no frequency). This variant has not been reported in the literature in individuals affected with BRCA1-related conditions. ClinVar contains an entry for this variant (Variation ID: 644245). Invitae Evidence Modeling of protein sequence and biophysical properties (such as structural, functional, and spatial information, amino acid conservation, physicochemical variation, residue mobility, and thermodynamic stability) indicates that this missense variant is not expected to disrupt BRCA1 protein function with a negative predictive value of 80%. In summary, the available evidence is currently insufficient to determine the role of this variant in disease. Therefore, it has been classified as a Variant of Uncertain Significance.

Ambry Genetics
Classification: Uncertain significance for Hereditary cancer-predisposing syndrome. Last evaluated: 2025-03-20. Review status: criteria provided, single submitter. Criteria: Ambry Variant Classification Scheme 2023. Collection method: clinical testing. Allele origin: germline.
Comment: The p.V370I variant (also known as c.1108G>A), located in coding exon 9 of the BRCA1 gene, results from a G to A substitution at nucleotide position 1108. The valine at codon 370 is replaced by isoleucine, an amino acid with highly similar properties. This amino acid position is not well conserved in available vertebrate species. In addition, the in silico prediction for this alteration is inconclusive. Based on the available evidence, the clinical significance of this variant remains unclear.

University of Washington Department of Laboratory Medicine, University of Washington
Classification: Likely benign for Hereditary cancer-predisposing syndrome. Last evaluated: 2023-03-23. Review status: criteria provided, single submitter. Criteria: Dines et al. (Genet Med. 2020). Collection method: curation. Allele origin: germline.
Comment: Missense variant in a coldspot region where missense variants are very unlikely to be pathogenic (PMID:31911673).

BRCA1 coldspot (exon 11 using historical exon numbering). Reclassification based on statistical prior probability

NM_007294.4(BRCA1):c.1108G>A (p.Val370Ile)

Gene: BRCA1 (BRCA1 DNA repair associated; minus strand). Cytogenetic location: 17q21.31.
Variant type: single nucleotide variant.
Coding change: c.1108G>A on transcript NM_007294.4 (MANE Select); coding-DNA position 1108, G replaced by A.
Protein change: p.Val370Ile; replaces valine 370 with isoleucine.
Molecular consequence: missense variant. On other transcripts: intron variant (137).
Genome position (GRCh38, 1-based): chr17:43,094,423, C>T on the plus strand (G>A on the coding strand, the complement: BRCA1 is on the minus strand). VCF-style: chr17-43094423-C-T. GRCh37 (hg19) VCF-style: chr17-41246440-C-T.
Other names: c.895G>A, p.Val299Ile (NM_001407571.1, NM_001407853.1, NM_001407894.1 and 9 more transcripts); c.1108G>A, p.Val370Ile (NM_001407581.1, NM_001407582.1, NM_001407583.1 and 30 more transcripts); c.1105G>A, p.Val369Ile (NM_001407587.1, NM_001407590.1, NM_001407591.1 and 22 more transcripts); c.1099G>A, p.Val367Ile (NM_001407646.1, NM_001407647.1); c.985G>A, p.Val329Ile (NM_001407648.1, NM_001407664.1, NM_001407665.1 and 19 more transcripts); c.982G>A, p.Val328Ile (NM_001407649.1, NM_001407670.1, NM_001407671.1 and 11 more transcripts); c.1030G>A, p.Val344Ile (NM_001407653.1, NM_001407654.1, NM_001407655.1 and 4 more transcripts); c.1027G>A, p.Val343Ile (NM_001407659.1, NM_001407660.1, NM_001407661.1 and 1 more transcripts); and 40 more; short protein forms V323I, V370I, V242I, V258I, V281I, V299I, V303I, V343I.
Identifiers: ClinVar variation 644245 (VCV000644245.13), dbSNP rs1567800850, ClinGen allele CA10599842.
Genomic context (GRCh38, chr17:43,094,423, plus strand): 5'-CACTTCTGGAAAACCACTCATTAACTTTCTGAATGCTGCTATTTAGTGTTATCCAAGGAA[C>T]ATCTTCAGTATCTCTAGGATTCTCTGAGCATGGCAGTTTCTGCTTATTCCATTCTTTTCT-3'
Protein context (NP_009225.1, residues 360-380): CSENPRDTED[Val370Ile]PWITLNSSIQ